The following is an entry in ClinVar:

NM_182476.3(COQ6):c.1109G>A (p.Arg370Lys)

Genes: COQ6 (coenzyme Q6, monooxygenase; plus strand), ENTPD5 (ectonucleoside triphosphate diphosphohydrolase 5; minus strand). Cytogenetic location: 14q24.3.
Variant type: single nucleotide variant.
Coding change: c.1109G>A on transcript NM_182476.3 (MANE Select); coding-DNA position 1109, G replaced by A.
Protein change: p.Arg370Lys; replaces arginine 370 with lysine.
Molecular consequence: missense variant. On other transcripts: 3 prime UTR variant (1), intron variant (5).
Genome position (GRCh38, 1-based): chr14:73,961,469, G>A. VCF-style: chr14-73961469-G-A. GRCh37 (hg19) VCF-style: chr14-74428172-G-A.
Other names: p.Arg370Lys; c.1109G>A (NM_182476.2); c.1109G>A, p.Arg370Lys (NM_001425255.1); c.1001G>A, p.Arg334Lys (NM_001425256.1); c.944G>A, p.Arg315Lys (NM_001425257.1); c.926G>A, p.Arg309Lys (NM_001425258.1); c.884G>A, p.Arg295Lys (NM_001425259.1, NM_001425260.1, NM_001425261.1); c.854G>A, p.Arg285Lys (NM_001425262.1); and 7 more; short protein forms R345K, R370K.
Identifiers: ClinVar variation 1987524 (VCV001987524.6), dbSNP rs201792780, ClinGen allele CA7264457.

ClinVar aggregate classification (germline): Uncertain significance. Review status: criteria provided, multiple submitters, no conflicts (2 of 4 stars). 4 submissions from 4 submitters: Uncertain significance (4). Last evaluated 2026-05-08.

Conditions:
Inborn genetic diseases. Identifiers: MedGen C0950123, MeSH D030342.
Familial steroid-resistant nephrotic syndrome with sensorineural deafness. Identifiers: Orphanet 280406, MedGen C3553349, MONDO:0013836, OMIM 614650.

Allele frequency attached by ClinVar (database versions not stated): gnomAD exomes 0.00001; ExAC 0.00002; 1000 Genomes Project 0.00060; 1000 Genomes Project 30x 0.00047; TOPMed 0.00007; gnomAD 0.00007.
gnomAD v4.1: 24 of 1,614,208 alleles (0.0015%); highest among the groups gnomAD compares: African/African-American, 0.017%; no homozygotes.

Submissions (4):

Ambry Genetics
Classification: Uncertain significance for Inborn genetic diseases. Last evaluated: 2026-05-08. Review status: criteria provided, single submitter. Criteria: Ambry Variant Classification Scheme 2023. Collection method: clinical testing. Allele origin: germline.
Comment: The c.1109G>A (p.R370K) alteration is located in exon 10 (coding exon 10) of the COQ6 gene. This alteration results from a G to A substitution at nucleotide position 1109, causing the arginine (R) at amino acid position 370 to be replaced by a lysine (K). Based on data from gnomAD, the A allele has an overall frequency of 0.002% (5/251446) total alleles studied. The highest observed frequency was 0.025% (4/16254) of African alleles. Based on insufficient or conflicting evidence, the clinical significance of this alteration remains unclear.

Fulgent Genetics
Classification: Uncertain significance for Familial steroid-resistant nephrotic syndrome with sensorineural deafness. Last evaluated: 2024-03-22. Review status: criteria provided, single submitter. Criteria: ACMG Guidelines, 2015. Collection method: clinical testing. Allele origin: germline.

Mayo Clinic Laboratories, Mayo Clinic
Classification: Uncertain significance. Last evaluated: 2023-08-14. Review status: criteria provided, single submitter. Criteria: ACMG Guidelines, 2015. Collection method: clinical testing. Allele origin: germline. Observed: 1 variant allele.

Labcorp Genetics (formerly Invitae), Labcorp
Classification: Uncertain significance. Last evaluated: 2022-05-21. Review status: criteria provided, single submitter. Criteria: Invitae Variant Classification Sherloc (09022015). Collection method: clinical testing. Allele origin: germline.
Comment: This variant is present in population databases (rs201792780, gnomAD 0.02%). This sequence change replaces arginine, which is basic and polar, with lysine, which is basic and polar, at codon 370 of the COQ6 protein (p.Arg370Lys). In summary, the available evidence is currently insufficient to determine the role of this variant in disease. Therefore, it has been classified as a Variant of Uncertain Significance. Algorithms developed to predict the effect of missense changes on protein structure and function are either unavailable or do not agree on the potential impact of this missense change (SIFT: "Tolerated"; PolyPhen-2: "Probably Damaging"; Align-GVGD: "Class C0"). This variant has not been reported in the literature in individuals affected with COQ6-related conditions.